The following is an entry in ClinVar:

ClinVar aggregate classification (germline): Uncertain significance (1 of 4 stars; one submission).

Conditions:
Genitopatellar syndrome (GTPTS). Also called: ABSENT PATELLAE, SCROTAL HYPOPLASIA, RENAL ANOMALIES, FACIAL DYSMORPHISM, AND MENTAL RETARDATION; Genitopatellar syndrome (GPS). Identifiers: Orphanet 85201, MedGen C1853566, MONDO:0011640, OMIM 606170.

Submission:

Labcorp Genetics (formerly Invitae), Labcorp
Classification: Uncertain significance for Genitopatellar syndrome. Last evaluated: 2022-05-12. Review status: criteria provided, single submitter. Criteria: Invitae Variant Classification Sherloc (09022015). Collection method: clinical testing. Allele origin: germline.
Comment: This variant is not present in population databases (gnomAD no frequency). This sequence change replaces threonine, which is neutral and polar, with isoleucine, which is neutral and non-polar, at codon 143 of the KAT6B protein (p.Thr143Ile). This variant has not been reported in the literature in individuals affected with KAT6B-related conditions. In summary, the available evidence is currently insufficient to determine the role of this variant in disease. Therefore, it has been classified as a Variant of Uncertain Significance. Algorithms developed to predict the effect of missense changes on protein structure and function (SIFT, PolyPhen-2, Align-GVGD) all suggest that this variant is likely to be tolerated.

NM_012330.4(KAT6B):c.428C>T (p.Thr143Ile)

Gene: KAT6B (lysine acetyltransferase 6B; plus strand). Cytogenetic location: 10q22.2.
Variant type: single nucleotide variant.
Coding change: c.428C>T on transcript NM_012330.4 (MANE Select); coding-DNA position 428, C replaced by T.
Protein change: p.Thr143Ile; replaces threonine 143 with isoleucine.
Molecular consequence: missense variant. On other transcripts: 5 prime UTR variant (2).
Genome position (GRCh38, 1-based): chr10:74,843,285, C>T. VCF-style: chr10-74843285-C-T. GRCh37 (hg19) VCF-style: chr10-76603043-C-T.
Other names: c.428C>T, p.Thr143Ile (NM_001256468.2, NM_001256469.2, NM_001370132.1 and 10 more transcripts); c.-111C>T (NM_001370134.1, NM_001370135.1); short protein forms T143I.
Identifiers: ClinVar variation 1993292 (VCV001993292.4), dbSNP rs370236468, ClinGen allele CA377400021.